The following is an entry in ClinVar:

ClinVar aggregate classification (germline): Pathogenic. Review status: reviewed by expert panel (3 of 4 stars). 9 submissions from 9 submitters: Pathogenic (1). 8 of the submissions do not count toward it. Last evaluated 2024-08-07.

Conditions:
Alpha-actinopathy. Also called: Actinopathy. Identifiers: MedGen CN295279, MONDO:0100084.
ACTA1-related disorder. Also called: ACTA1-related condition.
Congenital myopathy 2b, severe infantile, autosomal recessive (CMYO2B). Identifiers: MedGen C5830300, MONDO:0859517, OMIM 620265.
Actin accumulation myopathy (CMYO2A). Also called: Myopathy, actin, congenital, with cores; Nemaline myopathy 3, with intranuclear rods; Nemaline myopathy type 3; Myopathy, actin, congenital, with excess of thin myofilaments; CONGENITAL MYOPATHY 2A, TYPICAL, AUTOSOMAL DOMINANT. Identifiers: Orphanet 98904, MedGen C3711389, MONDO:0008070, OMIM 161800.

Submissions (9):

ClinGen Congenital Myopathies Variant Curation Expert Panel, ClinGen
Classification: Pathogenic for Alpha-actinopathy. Last evaluated: 2024-08-07. Review status: reviewed by expert panel. Criteria: ClinGen CongenMyopathy ACMG Specifications ACTA1 AR V1.0.0. Collection method: curation. Allele origin: germline. Inheritance: Autosomal recessive inheritance.
Comment: The NM_001100.4:c.541del (p.Asp181fs) variant in ACTA1 is a frameshift variant predicted to cause a premature stop codon in biologically relevant exon 4/7 and to lead to nonsense mediated decay in a gene in which loss-of-function is an established disease mechanism (PVS1). The highest population filtering allele frequency in gnomAD v4.1 is 0.0002402 (29/91056 alleles) in the South Asian population (this variant is excluded from the application of BA1/BS1 by the ClinGen Congenital Myopathies VCEP as it is a well established pathogenic variant). This variant has been detected in 6 individuals with nemaline myopathy. All of these individuals were homozygous for the variant (PMID: 17187373, GeneDx, SCV000568673.4) (PM3). Multiple patients with this variant displayed zebra bodies, which is highly specific for nemaline myopathy (PP4, PMID: 17187373). Western blot analysis of the muscle biopsy in one of the patients showed complete absence of α-skeletal muscle actin, whereas they had high levels of α-cardiac actin when compared with control subjects indicating that this variant impacts protein expression (PMID: 17187373) (PS3_Supporting). In summary, this variant meets the criteria to be classified as pathogenic for autosomal recessive alpha-actinopathy based on the ACMG/AMP criteria applied, as specified by the ClinGen Congenital Myopathies VCEP: PVS1, PM3, PS3_Supporting, PP4 (ClinGen Congenital Myopathies VCEP specifications version 1; 08/07/2024).

Victorian Clinical Genetics Services, Murdoch Childrens Research Institute
Classification: Pathogenic for Congenital myopathy 2b, severe infantile, autosomal recessive. Last evaluated: 2025-11-07. Review status: criteria provided, single submitter. Criteria: ACMG Guidelines, 2015. Collection method: clinical testing. Allele origin: germline. Affected: yes. Not counted in ClinVar's aggregate classification.
Comment: This variant is classified as Pathogenic. Evidence in support of pathogenic classification: Variant is predicted to cause nonsense-mediated decay (NMD) and loss of protein (premature termination codon is located at least 54 nucleotides upstream of the final exon-exon junction); Variant is present in gnomAD <0.01 (v4: 30 heterozygote(s), 0 homozygote(s)); This variant has strong previous evidence of pathogenicity in unrelated individuals. It has been classified as pathogenic for autosomal recessive alpha-actinopathy by the ClinGen Congenital Myopathies Variant Curation Expert Panel (ClinVar); Other NMD-predicted variant(s) comparable to the one identified in this case have very strong previous evidence for pathogenicity (DECIPHER). Additional information: This variant is homozygous; This gene is associated with both recessive and dominant disease. There is currently no genotype-phenotype correlation (OMIM); however, nearly all premature termination codons have been reported for the autosomal recessive disease (PMID: 19562689); Loss of function is a known mechanism and dominant negative is a likely mechanism of disease in this gene and is associated with alpha-actinopathy (MONDO:0100084). Missense variants have been described to result in decreased actin motility and create protein aggregates within the cytoplasm, though co-expression with wildtype was not observed (PMID: 15198992, OMIM).

Labcorp Genetics (formerly Invitae), Labcorp
Classification: Pathogenic for Actin accumulation myopathy. Last evaluated: 2023-10-06. Review status: criteria provided, single submitter. Criteria: Invitae Variant Classification Sherloc (09022015). Collection method: clinical testing. Allele origin: germline. Not counted in ClinVar's aggregate classification.
Comment: This sequence change creates a premature translational stop signal (p.Asp181Thrfs*11) in the ACTA1 gene. It is expected to result in an absent or disrupted protein product. Loss-of-function variants in ACTA1 are known to be pathogenic (PMID: 19562689). This variant is present in population databases (rs759242559, gnomAD 0.03%). This premature translational stop signal has been observed in individuals with autosomal recessive congenital myopathy (PMID: 17187373). ClinVar contains an entry for this variant (Variation ID: 420100). For these reasons, this variant has been classified as Pathogenic.

Broad Center for Mendelian Genomics, Broad Institute of MIT and Harvard
Classification: Likely pathogenic for Actin accumulation myopathy. Last evaluated: 2023-01-25. Review status: criteria provided, single submitter. Criteria: ACMG Guidelines, 2015. Collection method: curation. Allele origin: germline. Inheritance: Autosomal recessive inheritance. Not counted in ClinVar's aggregate classification.
Comment: The p.Asp181ThrfsTer11 variant in ACTA1 has been previously reported in four individuals with autosomal recessive nemaline myopathy (PMID: 17187373) but has been identified in 0.03% (10/30614) of South Asian chromosomes by the Genome Aggregation Database (gnomAD; dbSNP ID: rs759242559). Although this variant has been seen in the general population in a heterozygous state, its frequency is not high enough to rule out a pathogenic role. Of these four affected individuals previously reported, all (four) were homozygotes, which increases the likelihood that the p.Asp181ThrfsTer11 variant is pathogenic. This variant has also been reported in ClinVar (Variation ID:420100) and has been interpreted as pathogenic by GeneDx, Invitae, and PerkinElmer Genomics. This variant is predicted to cause a frameshift, which alters the protein‚Äôs amino acid sequence beginning at position 181 and leads to a premature termination codon 11 amino acids downstream. This alteration is then predicted to lead to a truncated or absent protein. Loss of function of the ACTA1 gene is an established disease mechanism in autosomal recessive nemaline myopathy. In summary, although additional studies are required to fully establish its clinical significance, this variant is likely pathogenic for autosomal recessive nemaline myopathy. ACMG/AMP Criteria applied: PVS1, PM3 (Richards 2015).

GeneDx
Classification: Pathogenic. Last evaluated: 2022-07-18. Review status: criteria provided, single submitter. Criteria: GeneDx Variant Classification Process June 2021. Collection method: clinical testing. Allele origin: germline. Affected: yes. Not counted in ClinVar's aggregate classification.
Comment: Frameshift variant predicted to result in protein truncation or nonsense mediated decay in a gene for which loss-of-function is a known mechanism of disease; This variant is associated with the following publications: (PMID: 27065010, 17187373)

Revvity Omics, Revvity
Classification: Pathogenic. Last evaluated: 2020-03-09. Review status: criteria provided, single submitter. Criteria: ACMG Guidelines, 2015. Collection method: clinical testing. Allele origin: germline. Not counted in ClinVar's aggregate classification.

Blueprint Genetics
Classification: Pathogenic for ACTA1-related disorders. Last evaluated: 2018-12-10. Review status: criteria provided, single submitter. Criteria: ACMG Guidelines, 2015. Collection method: clinical testing. Allele origin: germline. Affected: yes. Observed: 1 variant allele. Not counted in ClinVar's aggregate classification.

OMIM
Classification: Pathogenic for CONGENITAL MYOPATHY 2B, SEVERE INFANTILE, AUTOSOMAL RECESSIVE. Last evaluated: 2024-07-16. Review status: no assertion criteria provided. Collection method: literature only. Allele origin: germline. Not counted in ClinVar's aggregate classification.

PreventionGenetics, part of Exact Sciences
Classification: Pathogenic for ACTA1-related condition. Last evaluated: 2024-04-18. Review status: no assertion criteria provided. Collection method: clinical testing. Allele origin: germline. Not counted in ClinVar's aggregate classification.
Comment: The ACTA1 c.541delG variant is predicted to result in a frameshift and premature protein termination (p.Asp181Thrfs*11). This variant has been reported in the homozygous state in several individuals to be causative for nemaline myopathy (Nowak et al. 2007. PubMed ID: 17187373). This variant is reported in 0.033% of alleles in individuals of South Asian descent in gnomAD. Frameshift variants in ACTA1 are expected to be pathogenic for autosomal recessive ACTA1-related disorders. This variant is interpreted as pathogenic.

Literature cited by the submitters: PubMed 17187373 (cited by 3 submitters); PubMed 15198992 (cited by Victorian Clinical Genetics Services, Murdoch Childrens Research Institute); PubMed 19562689 (cited by Victorian Clinical Genetics Services, Murdoch Childrens Research Institute and Labcorp Genetics (formerly Invitae), Labcorp).

NM_001100.4(ACTA1):c.541del (p.Asp181fs)

Gene: ACTA1 (actin alpha 1, skeletal muscle; minus strand). Cytogenetic location: 1q42.13.
Variant type: Deletion.
Coding change: c.541del on transcript NM_001100.4 (MANE Select); coding-DNA position 541, one base deleted (G; older notation c.541delG).
Protein change: p.Asp181fs; shifts the reading frame from aspartic acid 181.
Molecular consequence: frameshift variant.
Genome position (GRCh38, 1-based): chr1:229,432,345, C deleted on the plus strand (G on the coding strand, the reverse complement: ACTA1 is on the minus strand); the first of 2 consecutive C bases (chr1:229,432,345-229,432,346); deleting either gives the same sequence. VCF-style (leftmost placement, unchanged base first): chr1-229432344-TC-T. GRCh37 (hg19) VCF-style: chr1-229568091-TC-T.
Other names: NM_001100.4(ACTA1):c.541del; p.Asp181fs; c.541delG (NM_001100.3); c.540delG, p.Asp181Thrfs (NM_001100.3); short protein forms D181fs.
Identifiers: ClinVar variation 420100 (VCV000420100.22), dbSNP rs759242559, ClinGen allele CA1442845.